The following is an entry in ClinVar:

ClinVar aggregate classification (germline): Uncertain significance (1 of 4 stars; one submission).

Submission:

Labcorp Genetics (formerly Invitae), Labcorp
Classification: Uncertain significance. Last evaluated: 2022-03-06. Review status: criteria provided, single submitter. Criteria: Invitae Variant Classification Sherloc (09022015). Collection method: clinical testing. Allele origin: germline.
Comment: In summary, the available evidence is currently insufficient to determine the role of this variant in disease. Therefore, it has been classified as a Variant of Uncertain Significance. This variant, c.120_128dup, results in the insertion of 3 amino acid(s) of the GRIN2D protein (p.Pro41_Gly43dup), but otherwise preserves the integrity of the reading frame. The frequency data for this variant in the population databases is considered unreliable, as metrics indicate insufficient coverage at this position in the gnomAD database. This variant has not been reported in the literature in individuals affected with GRIN2D-related conditions.

NM_000836.4(GRIN2D):c.120_128dup (p.Gly43_Gly44insProGlyGly)

Genes: GRIN2D (glutamate ionotropic receptor NMDA type subunit 2D; plus strand), LOC130064855 (ATAC-STARR-seq lymphoblastoid silent region 10879; plus strand). Cytogenetic location: 19q13.33.
Variant type: Duplication.
Coding change: c.120_128dup on transcript NM_000836.4 (MANE Select); coding-DNA positions 120 to 128, 9 bases duplicated (GCCCGGCGG; older notation c.120_128dupGCCCGGCGG).
Protein change: p.Gly43_Gly44insProGlyGly.
Molecular consequence: inframe insertion.
Genome position (GRCh38, 1-based): chr19:48,398,512-48,398,520, GCCCGGCGG duplicated; duplicating any 9 consecutive bases within chr19:48,398,510-48,398,520 gives the same sequence; the c. name uses the placement nearest the transcript's 3' end. VCF-style (leftmost placement, unchanged base first): chr19-48398509-T-TGGGCCCGGC. GRCh37 (hg19) VCF-style: chr19-48901766-T-TGGGCCCGGC.
Identifiers: ClinVar variation 2107296 (VCV002107296.4), dbSNP rs2516061851, ClinGen allele CA2580097477.